The following is an entry in ClinVar:

ClinVar aggregate classification (germline): Uncertain significance (1 of 4 stars; one submission).

Conditions:
Aniridia 1 (AN1). Identifiers: Orphanet 250923, MedGen C0344542, MONDO:0024507, OMIM 106210.
Irido-corneo-trabecular dysgenesis (ASGD5). Also called: ANTERIOR SEGMENT DYSGENESIS 5. Identifiers: Orphanet 708, MedGen C0344559, MONDO:0011414, OMIM 604229, HP:0000659.

Submission:

Labcorp Genetics (formerly Invitae), Labcorp
Classification: Uncertain significance for Aniridia 1; Irido-corneo-trabecular dysgenesis. Last evaluated: 2022-03-29. Review status: criteria provided, single submitter. Criteria: Invitae Variant Classification Sherloc (09022015). Collection method: clinical testing. Allele origin: germline.
Comment: In summary, the available evidence is currently insufficient to determine the role of this variant in disease. Therefore, it has been classified as a Variant of Uncertain Significance. Experimental studies and prediction algorithms are not available or were not evaluated, and the functional significance of this variant is currently unknown. This variant has not been reported in the literature in individuals affected with PAX6-related conditions. This variant is not present in population databases (gnomAD no frequency). This variant occurs in a non-coding region of the PAX6 gene. It does not change the encoded amino acid sequence of the PAX6 protein.

NM_001368894.2(PAX6):c.-120_-118dup

Gene: PAX6 (paired box 6; minus strand). Cytogenetic location: 11p13.
Variant type: Duplication.
Coding change: c.-120_-118dup on transcript NM_001368894.2 (MANE Select); 120 bases upstream of the start codon through 118 bases upstream of the start codon, 3 bases duplicated (CTT; older notation c.-120_-118dupCTT).
Molecular consequence: 5 prime UTR variant. On other transcripts: non-coding transcript variant (2), intron variant (2).
Genome position (GRCh38, 1-based): chr11:31,806,915-31,806,917, AAG duplicated on the plus strand (CTT on the coding strand, the reverse complement: PAX6 is on the minus strand). VCF-style (leftmost placement, unchanged base first): chr11-31806914-A-AAAG. GRCh37 (hg19) VCF-style: chr11-31828462-A-AAAG.
Other names: c.-120_-118dup (NM_000280.6, NM_001127612.3, NM_001258462.3 and 30 more transcripts); c.-397_-395dup (NM_001368904.2); c.-901_-899dup (NM_001368905.2); c.-20_-18dup (NM_001368910.2); c.-268+3911_-268+3913dup (NM_001368909.2); c.13+3911_13+3913dup (NM_001368911.2).
Identifiers: ClinVar variation 2119553 (VCV002119553.4), dbSNP rs2496668718, ClinGen allele CA2580084067.